The following is an entry in ClinVar:

NM_032590.5(KDM2B):c.2680G>A (p.Glu894Lys)

Gene: KDM2B (lysine demethylase 2B; minus strand). Cytogenetic location: 12q24.31.
Variant type: single nucleotide variant.
Coding change: c.2680G>A on transcript NM_032590.5 (MANE Select); coding-DNA position 2680, G replaced by A.
Protein change: p.Glu894Lys; replaces glutamic acid 894 with lysine.
Molecular consequence: missense variant.
Genome position (GRCh38, 1-based): chr12:121,442,761, C>T on the plus strand (G>A on the coding strand, the complement: KDM2B is on the minus strand). VCF-style: chr12-121442761-C-T. GRCh37 (hg19) VCF-style: chr12-121880564-C-T.
Other names: c.2680G>A (NM_032590.4); c.2473G>A, p.Glu825Lys (NM_001005366.2); short protein forms E825K, E894K.
Identifiers: ClinVar variation 2643406 (VCV002643406.25), dbSNP rs201943632, ClinGen allele CA6836419.

ClinVar aggregate classification (germline): Likely benign. Review status: criteria provided, multiple submitters, no conflicts (2 of 4 stars). 2 submissions from 2 submitters: Likely benign (2). Last evaluated 2026-07-01.

Conditions:
Inborn genetic diseases. Identifiers: MedGen C0950123, MeSH D030342.

Allele frequency attached by ClinVar (database versions not stated): ESP Exome Variant Server 0.00008; TOPMed 0.00026; gnomAD 0.00046; gnomAD exomes 0.00062; ExAC 0.00107; 1000 Genomes Project 30x 0.00125; 1000 Genomes Project 0.00160.

Submissions (2):

CeGaT Center for Human Genetics Tuebingen
Classification: Likely benign. Last evaluated: 2026-07-01. Review status: criteria provided, single submitter. Criteria: CeGaT Center For Human Genetics Tuebingen Variant Classification Criteria Version 2. Collection method: clinical testing. Allele origin: germline. Affected: yes. Observed: 2 variant alleles.
Comment: KDM2B: BS2

Ambry Genetics
Classification: Likely benign for Inborn genetic diseases. Last evaluated: 2024-08-01. Review status: criteria provided, single submitter. Criteria: Ambry Variant Classification Scheme 2023. Collection method: clinical testing. Allele origin: germline.